The following is an entry in ClinVar:

ClinVar aggregate classification (germline): Benign/Likely benign. Review status: criteria provided, multiple submitters, no conflicts (2 of 4 stars). 2 submissions from 2 submitters: Benign (1); Likely benign (1). Last evaluated 2025-06-17.

Conditions:
Nemaline myopathy 6 (NEM6). Also called: Nemaline myopathy 6, autosomal dominant. Identifiers: Orphanet 171439, MedGen C1836472, MONDO:0012237, OMIM 609273.

Allele frequency attached by ClinVar (database versions not stated): ExAC below 0.00001; gnomAD 0.00001; gnomAD exomes 0.00002 and 0.00014; TOPMed 0.00003.

Submissions (2):

Labcorp Genetics (formerly Invitae), Labcorp
Classification: Benign for Nemaline myopathy 6. Last evaluated: 2025-06-17. Review status: criteria provided, single submitter. Criteria: Invitae Variant Classification Sherloc (09022015). Collection method: clinical testing. Allele origin: germline.

GeneDx
Classification: Likely benign. Last evaluated: 2017-07-18. Review status: criteria provided, single submitter. Criteria: GeneDx Variant Classification (06012015). Collection method: clinical testing. Allele origin: germline. Affected: yes.
Comment: This variant is considered likely benign or benign based on one or more of the following criteria: it is a conservative change, it occurs at a poorly conserved position in the protein, it is predicted to be benign by multiple in silico algorithms, and/or has population frequency not consistent with disease.

NM_001101362.3(KBTBD13):c.222G>A (p.Ala74=)

Gene: KBTBD13 (kelch repeat and BTB domain containing 13; plus strand). Cytogenetic location: 15q22.31.
Variant type: single nucleotide variant.
Coding change: c.222G>A on transcript NM_001101362.3 (MANE Select); coding-DNA position 222, G replaced by A.
Protein change: p.Ala74=; no amino-acid change (alanine 74 retained).
Molecular consequence: synonymous variant.
Genome position (GRCh38, 1-based): chr15:65,077,037, G>A. VCF-style: chr15-65077037-G-A. GRCh37 (hg19) VCF-style: chr15-65369375-G-A.
Identifiers: ClinVar variation 510774 (VCV000510774.9), dbSNP rs752135049, ClinGen allele CA7613904.